The following is an entry in ClinVar:

ClinVar aggregate classification (germline): Likely pathogenic (1 of 4 stars; one submission).

Allele frequency attached by ClinVar (database versions not stated): gnomAD exomes 0.00001.
gnomAD v4.1: 17 of 1,611,802 alleles (0.0011%); highest among the groups gnomAD compares: Admixed American, 0.0017%; no homozygotes.

Submission:

Labcorp Genetics (formerly Invitae), Labcorp
Classification: Likely pathogenic. Last evaluated: 2022-04-03. Review status: criteria provided, single submitter. Criteria: Invitae Variant Classification Sherloc (09022015). Collection method: clinical testing. Allele origin: germline.
Comment: This sequence change affects a donor splice site in intron 5 of the PEPD gene. It is expected to disrupt RNA splicing. Variants that disrupt the donor or acceptor splice site typically lead to a loss of protein function (PMID: 16199547), and loss-of-function variants in PEPD are known to be pathogenic (PMID: 8198124, 10721675, 12384772, 17142620). This variant is present in population databases (no rsID available, gnomAD 0.003%). This variant has not been reported in the literature in individuals affected with PEPD-related conditions. Algorithms developed to predict the effect of sequence changes on RNA splicing suggest that this variant may disrupt the consensus splice site. In summary, the currently available evidence indicates that the variant is pathogenic, but additional data are needed to prove that conclusively. Therefore, this variant has been classified as Likely Pathogenic.

Literature cited by the submitters: PubMed 16199547; PubMed 8198124; PubMed 10721675; PubMed 12384772; PubMed 17142620.

NM_000285.4(PEPD):c.441+1G>A

Gene: PEPD (peptidase D; minus strand). Cytogenetic location: 19q13.11.
Variant type: single nucleotide variant.
Coding change: c.441+1G>A on transcript NM_000285.4 (MANE Select); the canonical splice donor site of the intron after coding-DNA position 441, G replaced by A.
Molecular consequence: splice donor variant.
Genome position (GRCh38, 1-based): chr19:33,493,289, C>T on the plus strand (G>A on the coding strand, the complement: PEPD is on the minus strand). VCF-style: chr19-33493289-C-T. GRCh37 (hg19) VCF-style: chr19-33984195-C-T.
Other names: c.249+1G>A (NM_001166057.2); c.441+1G>A (NM_001166056.2).
Identifiers: ClinVar variation 2181962 (VCV002181962.4), dbSNP rs1451144161, ClinGen allele CA405230993.